The following is an entry in ClinVar:

ClinVar aggregate classification (germline): Uncertain significance (1 of 4 stars; one submission).

Conditions:
RYR1-related disorder. Also called: RYR1-related condition; RYR1-related disorders. Identifiers: MedGen CN239331.

Allele frequency attached by ClinVar (database versions not stated): gnomAD exomes below 0.00001.
gnomAD v4.1: 1 of 1,613,424 alleles (0.000062%); highest among the groups gnomAD compares: Non-Finnish European, 0.000085%; no homozygotes.

Submission:

Labcorp Genetics (formerly Invitae), Labcorp
Classification: Uncertain significance for RYR1-related disorder. Last evaluated: 2025-09-08. Review status: criteria provided, single submitter. Criteria: Invitae Variant Classification Sherloc (09022015). Collection method: clinical testing. Allele origin: germline.
Comment: This sequence change replaces valine, which is neutral and non-polar, with alanine, which is neutral and non-polar, at codon 2509 of the RYR1 protein (p.Val2509Ala). This variant is not present in population databases (gnomAD no frequency). This variant has not been reported in the literature in individuals affected with RYR1-related conditions. ClinVar contains an entry for this variant (Variation ID: 2908454). Invitae Evidence Modeling of protein sequence and biophysical properties (such as structural, functional, and spatial information, amino acid conservation, physicochemical variation, residue mobility, and thermodynamic stability) indicates that this missense variant is expected to disrupt RYR1 protein function with a positive predictive value of 80%. In summary, the available evidence is currently insufficient to determine the role of this variant in disease. Therefore, it has been classified as a Variant of Uncertain Significance.

NM_000540.3(RYR1):c.7526T>C (p.Val2509Ala)

Gene: RYR1 (ryanodine receptor 1; plus strand). Cytogenetic location: 19q13.2.
Variant type: single nucleotide variant.
Coding change: c.7526T>C on transcript NM_000540.3 (MANE Select); coding-DNA position 7526, T replaced by C.
Protein change: p.Val2509Ala; replaces valine 2509 with alanine.
Molecular consequence: missense variant.
Genome position (GRCh38, 1-based): chr19:38,500,902, T>C. VCF-style: chr19-38500902-T-C. GRCh37 (hg19) VCF-style: chr19-38991542-T-C.
Other names: c.7526T>C, p.Val2509Ala (NM_001042723.2); short protein forms V2509A.
Identifiers: ClinVar variation 2908454 (VCV002908454.3), dbSNP rs2145606371, ClinGen allele CA405670390.
Genomic context (GRCh38, chr19:38,500,902, plus strand): 5'-AGATGTCAGCATCCTTCGTGCCGGACCACAAGGCGTCCATGGTGCTCTTCCTGGACCGTG[T>C]GTATGGCATCGAGAACCAGGACTTCTTGCTGCACGTGCTGGACGTGGGGTTCCTGCCCGA-3'
Protein context (NP_000531.2, residues 2499-2519): KASMVLFLDR[Val2509Ala]YGIENQDFLL